The following is an entry in ClinVar:

ClinVar aggregate classification (germline): Likely benign (1 of 4 stars; one submission).

Submission:

CeGaT Center for Human Genetics Tuebingen
Classification: Likely benign. Last evaluated: 2023-03-01. Review status: criteria provided, single submitter. Criteria: CeGaT Center For Human Genetics Tuebingen Variant Classification Criteria Version 2. Collection method: clinical testing. Allele origin: germline. Affected: yes. Observed: 1 variant allele.
Comment: ASF1A: PM2:Supporting, BP4, BP7

NM_014034.3(ASF1A):c.354T>C (p.Thr118=)

Genes: ASF1A (anti-silencing function 1A histone chaperone; plus strand), MCM9 (minichromosome maintenance 9 homologous recombination repair factor; minus strand). Cytogenetic location: 6q22.31.
Variant type: single nucleotide variant.
Coding change: c.354T>C on transcript NM_014034.3 (MANE Select); coding-DNA position 354, T replaced by C.
Protein change: p.Thr118=; no amino-acid change (threonine 118 retained).
Molecular consequence: synonymous variant. On other transcripts: intron variant (9).
Genome position (GRCh38, 1-based): chr6:118,905,780, T>C. VCF-style: chr6-118905780-T-C. GRCh37 (hg19) VCF-style: chr6-119226945-T-C.
Other names: c.1024+5870A>G (NM_001378366.1); c.1150+5870A>G (NM_001378364.1, NM_001378360.1, NM_001378356.1 and 4 more transcripts); c.952+5870A>G (NM_001378367.1).
Identifiers: ClinVar variation 2656890 (VCV002656890.24), dbSNP rs2534550458, ClinGen allele CA451963778.